The following is an entry in ClinVar:

ClinVar aggregate classification (germline): Benign/Likely benign. Review status: criteria provided, multiple submitters, no conflicts (2 of 4 stars). 3 submissions from 3 submitters: Benign (2); Likely benign (1). Last evaluated 2026-01-04.

Conditions:
Inborn genetic diseases. Identifiers: MedGen C0950123, MeSH D030342.
Infantile-onset X-linked spinal muscular atrophy. Also called: Spinal muscular atrophy, X-linked 2; AMC, DISTAL, X-LINKED; ARTHROGRYPOSIS, X-LINKED, TYPE I; SPINAL MUSCULAR ATROPHY, X-LINKED LETHAL INFANTILE; Spinal Muscular Atrophy, X-Linked Infantile. Identifiers: Orphanet 1145, MedGen C1844934, MONDO:0010532, OMIM 301830.

Allele frequency attached by ClinVar (database versions not stated): gnomAD 0.00005 and 0.00006; gnomAD exomes 0.00006 and 0.00027; TOPMed 0.00013; ExAC 0.00016.
gnomAD v4.1: 67 of 1,210,137 alleles (0.0055%); highest among the groups gnomAD compares: Admixed American, 0.13%; no homozygotes.

Submissions (3):

Labcorp Genetics (formerly Invitae), Labcorp
Classification: Benign for Infantile-onset X-linked spinal muscular atrophy. Last evaluated: 2026-01-04. Review status: criteria provided, single submitter. Criteria: Invitae Variant Classification Sherloc (09022015). Collection method: clinical testing. Allele origin: germline.

Ambry Genetics
Classification: Likely benign for Inborn genetic diseases. Last evaluated: 2019-07-11. Review status: criteria provided, single submitter. Criteria: Ambry Variant Classification Scheme 2023. Collection method: clinical testing. Allele origin: germline.

Illumina Laboratory Services, Illumina
Classification: Benign for Infantile-onset X-linked spinal muscular atrophy. Last evaluated: 2018-01-12. Review status: criteria provided, single submitter. Criteria: ICSL Variant Classification Criteria 13 December 2019. Collection method: clinical testing. Allele origin: germline.
Comment: This variant was observed in the ICSL laboratory as part of a predisposition screen in an ostensibly healthy population. It had not been previously curated by ICSL or reported in the Human Gene Mutation Database (HGMD: prior to June 1st, 2018), and was therefore a candidate for classification through an automated scoring system. Utilizing variant allele frequency, disease prevalence and penetrance estimates, and inheritance mode, an automated score was calculated to assess if this variant is too frequent to cause the disease. Based on the score and internal cut-off values, a variant classified as benign is not then subjected to further curation. The score for this variant resulted in a classification of benign for this disease.

NM_003334.4(UBA1):c.351C>T (p.Tyr117=)

Gene: UBA1 (ubiquitin like modifier activating enzyme 1; plus strand). Cytogenetic location: Xp11.3.
Variant type: single nucleotide variant.
Coding change: c.351C>T on transcript NM_003334.4 (MANE Select); coding-DNA position 351, C replaced by T.
Protein change: p.Tyr117=; no amino-acid change (tyrosine 117 retained).
Molecular consequence: synonymous variant.
Genome position (GRCh38, 1-based): chrX:47,199,485, C>T. VCF-style: chrX-47199485-C-T. GRCh37 (hg19) VCF-style: chrX-47058884-C-T.
Other names: c.351C>T, p.Tyr117= (NM_153280.3).
Identifiers: ClinVar variation 368328 (VCV000368328.17), dbSNP rs782799228, ClinGen allele CA10395660.